The following is an entry in ClinVar:

NM_058216.3(RAD51C):c.259G>T (p.Ala87Ser)

Gene: RAD51C (RAD51 paralog C; plus strand). Cytogenetic location: 17q22.
Variant type: single nucleotide variant.
Coding change: c.259G>T on transcript NM_058216.3 (MANE Select); coding-DNA position 259, G replaced by T.
Protein change: p.Ala87Ser; replaces alanine 87 with serine.
Molecular consequence: missense variant. On other transcripts: non-coding transcript variant (2).
Genome position (GRCh38, 1-based): chr17:58,695,044, G>T. VCF-style: chr17-58695044-G-T. GRCh37 (hg19) VCF-style: chr17-56772405-G-T.
Other names: c.259G>T, p.Ala87Ser (NM_002876.4); short protein forms A87S.
Identifiers: ClinVar variation 844573 (VCV000844573.13), dbSNP rs1598455803, ClinGen allele CA400340505.

ClinVar aggregate classification (germline): Uncertain significance. Review status: criteria provided, multiple submitters, no conflicts (2 of 4 stars). 2 submissions from 2 submitters: Uncertain significance (2). Last evaluated 2025-12-10.

Conditions:
Hereditary cancer-predisposing syndrome. Also called: Neoplastic Syndromes, Hereditary; Hereditary neoplastic syndrome; Tumor predisposition; Hereditary Cancer Syndrome. Identifiers: Orphanet 140162, MedGen C0027672, MeSH D009386, MONDO:0015356.
Fanconi anemia complementation group O. Also called: RAD51C-Related Fanconi Anemia. Identifiers: Orphanet 84, MedGen C3150653, MONDO:0013248, OMIM 613390.

Submissions (2):

Ambry Genetics
Classification: Uncertain significance for Hereditary cancer-predisposing syndrome. Last evaluated: 2025-12-10. Review status: criteria provided, single submitter. Criteria: Ambry Variant Classification Scheme 2023. Collection method: clinical testing. Allele origin: germline.
Comment: The p.A87S variant (also known as c.259G>T), located in coding exon 2 of the RAD51C gene, results from a G to T substitution at nucleotide position 259. The alanine at codon 87 is replaced by serine, an amino acid with similar properties. This amino acid position is highly conserved in available vertebrate species. In addition, the in silico prediction for this alteration is inconclusive. Since supporting evidence is limited at this time, the clinical significance of this alteration remains unclear.

Labcorp Genetics (formerly Invitae), Labcorp
Classification: Uncertain significance for Fanconi anemia complementation group O. Last evaluated: 2019-03-29. Review status: criteria provided, single submitter. Criteria: Invitae Variant Classification Sherloc (09022015). Collection method: clinical testing. Allele origin: germline.
Comment: This sequence change replaces alanine with serine at codon 87 of the RAD51C protein (p.Ala87Ser). The alanine residue is highly conserved and there is a moderate physicochemical difference between alanine and serine. This variant is not present in population databases (ExAC no frequency). In summary, the available evidence is currently insufficient to determine the role of this variant in disease. Therefore, it has been classified as a Variant of Uncertain Significance. Algorithms developed to predict the effect of missense changes on protein structure and function are either unavailable or do not agree on the potential impact of this missense change (SIFT: "Tolerated"; PolyPhen-2: "Probably Damaging"; Align-GVGD: "Class C0"). This variant has not been reported in the literature in individuals with RAD51C-related conditions.